The following is an entry in ClinVar:

NM_182914.3(SYNE2):c.10523C>T (p.Ser3508Phe)

Gene: SYNE2 (spectrin repeat containing nuclear envelope protein 2; plus strand). Cytogenetic location: 14q23.2.
Variant type: single nucleotide variant.
Coding change: c.10523C>T on transcript NM_182914.3 (MANE Select); coding-DNA position 10523, C replaced by T.
Protein change: p.Ser3508Phe; replaces serine 3508 with phenylalanine.
Molecular consequence: missense variant.
Genome position (GRCh38, 1-based): chr14:64,070,736, C>T. VCF-style: chr14-64070736-C-T. GRCh37 (hg19) VCF-style: chr14-64537454-C-T.
Other names: c.10523C>T, p.Ser3508Phe (NM_015180.6); short protein forms S3508F.
Identifiers: ClinVar variation 3696144 (VCV003696144.2).
Genomic context (GRCh38, chr14:64,070,736, plus strand): 5'-TTCAGGAAGAACTCCCTGAAATTTCCAAAACAAAAGAGGCAGCCACCACAGAGGAACTCT[C>T]TGAGCTGCTAGACTGTTTATGCCAATATGGAGAGAACGTGGAGAAGCAACAGCTGTTACT-3'
Protein context (NP_878918.2, residues 3498-3518): TKEAATTEEL[Ser3508Phe]ELLDCLCQYG

ClinVar aggregate classification (germline): Uncertain significance (1 of 4 stars; one submission).

Conditions:
Emery-Dreifuss muscular dystrophy 5, autosomal dominant (EDMD5). Also called: EMERY-DREIFUSS MUSCULAR DYSTROPHY 5. Identifiers: Orphanet 261, MedGen C2751805, MONDO:0013072, OMIM 612999.

Submission:

Labcorp Genetics (formerly Invitae), Labcorp
Classification: Uncertain significance for Emery-Dreifuss muscular dystrophy 5, autosomal dominant. Last evaluated: 2024-02-28. Review status: criteria provided, single submitter. Criteria: Invitae Variant Classification Sherloc (09022015). Collection method: clinical testing. Allele origin: germline.
Comment: This sequence change replaces serine, which is neutral and polar, with phenylalanine, which is neutral and non-polar, at codon 3508 of the SYNE2 protein (p.Ser3508Phe). This variant is not present in population databases (gnomAD no frequency). This variant has not been reported in the literature in individuals affected with SYNE2-related conditions. An algorithm developed to predict the effect of missense changes on protein structure and function (PolyPhen-2) suggests that this variant is likely to be tolerated. In summary, the available evidence is currently insufficient to determine the role of this variant in disease. Therefore, it has been classified as a Variant of Uncertain Significance.